The following is an entry in ClinVar:

ClinVar aggregate classification (germline): Pathogenic. Review status: criteria provided, multiple submitters, no conflicts (2 of 4 stars). 9 submissions from 9 submitters: Pathogenic (8). 1 of the submissions does not count toward it. Last evaluated 2025-01-28.

Conditions:
Cardiovascular phenotype. Identifiers: MedGen CN230736.
Hereditary cancer-predisposing syndrome. Also called: Hereditary Cancer Syndrome; Hereditary neoplastic syndrome; Tumor predisposition; Neoplastic Syndromes, Hereditary. Identifiers: Orphanet 140162, MedGen C0027672, MeSH D009386, MONDO:0015356.
Optic nerve glioma. Identifiers: MedGen C0346326, MONDO:0003235, HP:0009734.
Atypical coarctation of aorta. Also called: Midaortic syndrome. Identifiers: Orphanet 1456, MedGen C3496579, MONDO:0015446.
Neurofibromatosis, type 1 (NF1). Also called: Neurofibromatosis, type I; Peripheral type neurofibromatosis; VON RECKLINGHAUSEN DISEASE; NEUROFIBROMATOSIS, TYPE I, SOMATIC. Identifiers: Orphanet 636, MedGen C0027831, MONDO:0018975, OMIM 162200. Disease mechanism: loss of function.

Submissions (9):

Molecular Pathology, Peter Maccallum Cancer Centre
Classification: Pathogenic for Neurofibromatosis, type 1. Last evaluated: 2025-01-28. Review status: criteria provided, single submitter. Criteria: ACMG Guidelines, 2015. Collection method: clinical testing. Allele origin: germline. Inheritance: Autosomal dominant inheritance.

Ambry Genetics
Classification: Pathogenic for Cardiovascular phenotype; Hereditary cancer-predisposing syndrome. Last evaluated: 2024-01-05. Review status: criteria provided, single submitter. Criteria: Ambry Variant Classification Scheme 2023. Collection method: clinical testing. Allele origin: germline.
Comment: The c.4514+1G>A intronic variant results from a G to A substitution one nucleotide after coding exon 33 of the NF1 gene. Alterations that disrupt the canonical splice site are expected to cause aberrant splicing, resulting in an abnormal protein or a transcript that is subject to nonsense-mediated mRNA decay. This nucleotide position is highly conserved in available vertebrate species. In silico splice site analysis predicts that this alteration will weaken the native splice donor site; however, direct evidence is insufficient at this time (Ambry internal data). This alteration has been reported in multiple individuals with clinical diagnoses of NF1 from various ethnic backgrounds (Ambry internal data; Kang E et al. J Hum Genet 2020 Jan;65(2):79-89; Fahsold R et al. Am J Hum Genet 2000 Mar;66(3):790-818). Based on the supporting evidence, this alteration is interpreted as a disease-causing mutation.

Labcorp Genetics (formerly Invitae), Labcorp
Classification: Pathogenic for Neurofibromatosis, type 1. Last evaluated: 2023-09-27. Review status: criteria provided, single submitter. Criteria: Invitae Variant Classification Sherloc (09022015). Collection method: clinical testing. Allele origin: germline.
Comment: This sequence change affects a donor splice site in intron 33 of the NF1 gene. It is expected to disrupt RNA splicing. Variants that disrupt the donor or acceptor splice site typically lead to a loss of protein function (PMID: 16199547), and loss-of-function variants in NF1 are known to be pathogenic (PMID: 10712197, 23913538). This variant is not present in population databases (gnomAD no frequency). Disruption of this splice site has been observed in individuals with neurofibromatosis type 1 (PMID: 10712197). ClinVar contains an entry for this variant (Variation ID: 439997). Algorithms developed to predict the effect of sequence changes on RNA splicing suggest that this variant may disrupt the consensus splice site. For these reasons, this variant has been classified as Pathogenic.

Genome-Nilou Lab
Classification: Pathogenic for Neurofibromatosis, type 1. Last evaluated: 2022-03-15. Review status: criteria provided, single submitter. Criteria: ACMG Guidelines, 2015. Collection method: clinical testing. Allele origin: germline. Affected: no.

GeneDx
Classification: Pathogenic. Last evaluated: 2019-11-26. Review status: criteria provided, single submitter. Criteria: GeneDx Variant Classification Process June 2021. Collection method: clinical testing. Allele origin: germline. Affected: yes.
Comment: Reported in association with neurofibromatosis type 1 in published literature (Fahsold et al., 2000; Santoro et al., 2017); Canonical splice site variant predicted to result in an in-frame deletion of a critical region; Deletions involving coding exons in this gene are frequently reported as pathogenic regardless of frame prediction (Stenson et al., 2014); Not observed in large population cohorts (Lek et al., 2016); This variant is associated with the following publications: (PMID: 25525159, 10712197, 28422438, 29483232, 31776437)

Revvity Omics, Revvity
Classification: Pathogenic. Last evaluated: 2019-07-25. Review status: criteria provided, single submitter. Criteria: ACMG Guidelines, 2015. Collection method: clinical testing. Allele origin: germline.

ARUP Laboratories, Molecular Genetics and Genomics, ARUP Laboratories
Classification: Pathogenic. Last evaluated: 2017-02-14. Review status: criteria provided, single submitter. Criteria: ARUP Molecular Germline Variant Investigation Process. Collection method: clinical testing. Allele origin: germline.

St. Jude Molecular Pathology, St. Jude Children's Research Hospital
Classification: Pathogenic for Optic nerve glioma. Last evaluated: 2016-04-14. Review status: criteria provided, single submitter. Criteria: ACMG Guidelines, 2015. Collection method: clinical testing. Allele origin: germline. Affected: yes.
Comment: This is a splice site alteration, in which a G is replaced by an A at the first nucleotide in intron 33.

Yale Center for Mendelian Genomics, Yale University
Classification: Likely pathogenic for Midaortic syndrome. Last evaluated: 2018-02-26. Review status: no assertion criteria provided. Collection method: literature only. Allele origin: germline. Affected: yes. Observed: 1 heterozygote. Not counted in ClinVar's aggregate classification.

Literature cited by the submitters: PubMed 16199547 (cited by Labcorp Genetics (formerly Invitae), Labcorp); PubMed 10712197 (cited by Labcorp Genetics (formerly Invitae), Labcorp); PubMed 23913538 (cited by Labcorp Genetics (formerly Invitae), Labcorp); PubMed 29483232 (cited by Yale Center for Mendelian Genomics, Yale University).

NM_001042492.3(NF1):c.4577+1G>A

Gene: NF1 (neurofibromin 1; plus strand). Cytogenetic location: 17q11.2.
Variant type: single nucleotide variant.
Coding change: c.4577+1G>A on transcript NM_001042492.3 (MANE Select); the canonical splice donor site of the intron after coding-DNA position 4577, G replaced by A.
Molecular consequence: splice donor variant.
Genome position (GRCh38, 1-based): chr17:31,260,516, G>A. VCF-style: chr17-31260516-G-A. GRCh37 (hg19) VCF-style: chr17-29587534-G-A.
Other names: c.4514+1G>A (NM_000267.4).
Identifiers: ClinVar variation 439997 (VCV000439997.23), dbSNP rs1279529138, ClinGen allele CA398999994.